The following is an entry in ClinVar:

NM_017755.6(NSUN2):c.2032T>G (p.Cys678Gly)

Gene: NSUN2 (NOP2/Sun RNA methyltransferase 2; minus strand). Cytogenetic location: 5p15.31.
Variant type: single nucleotide variant.
Coding change: c.2032T>G on transcript NM_017755.6 (MANE Select); coding-DNA position 2032, T replaced by G.
Protein change: p.Cys678Gly; replaces cysteine 678 with glycine.
Molecular consequence: missense variant. On other transcripts: non-coding transcript variant (1).
Genome position (GRCh38, 1-based): chr5:6,600,198, A>C on the plus strand (T>G on the coding strand, the complement: NSUN2 is on the minus strand). VCF-style: chr5-6600198-A-C. GRCh37 (hg19) VCF-style: chr5-6600311-A-C.
Other names: c.1927T>G, p.Cys643Gly (NM_001193455.2); short protein forms C643G, C678G.
Identifiers: ClinVar variation 1031996 (VCV001031996.2), dbSNP rs747908747, ClinGen allele CA3192202.

ClinVar aggregate classification (germline): Uncertain significance. Review status: criteria provided, multiple submitters, no conflicts (2 of 4 stars). 2 submissions from 2 submitters: Uncertain significance (2). Last evaluated 2024-05-24.

Conditions:
Inborn genetic diseases. Identifiers: MedGen C0950123, MeSH D030342.
Intellectual developmental disorder, autosomal recessive 5. Also called: Intellectual disability, autosomal recessive 5. Identifiers: Orphanet 88616, MedGen C1970199, MONDO:0012613, OMIM 611091.

Allele frequency attached by ClinVar (database versions not stated): TOPMed 0.00002.
gnomAD v4.1: 13 of 1,614,118 alleles (0.00081%); highest among the groups gnomAD compares: East Asian, 0.0022%; no homozygotes.

Submissions (2):

Ambry Genetics
Classification: Uncertain significance for Inborn genetic diseases. Last evaluated: 2024-05-24. Review status: criteria provided, single submitter. Criteria: Ambry Variant Classification Scheme 2023. Collection method: clinical testing. Allele origin: germline.

Baylor Genetics
Classification: Uncertain significance for Intellectual developmental disorder, autosomal recessive 5. Last evaluated: 2018-04-06. Review status: criteria provided, single submitter. Criteria: ACMG Guidelines, 2015. Collection method: clinical testing. Allele origin: paternal. Affected: yes.
Comment: This variant was determined to be of uncertain significance according to ACMG Guidelines, 2015 [PMID:25741868].